The following is an entry in ClinVar:

ClinVar aggregate classification (germline): Uncertain significance (1 of 4 stars; one submission).

Conditions:
Charcot-Marie-Tooth disease dominant intermediate F. Identifiers: Orphanet 352670, MedGen C4749463, MONDO:0014074, OMIM 615185.

Submission:

Labcorp Genetics (formerly Invitae), Labcorp
Classification: Uncertain significance for Charcot-Marie-Tooth disease dominant intermediate F. Last evaluated: 2022-08-04. Review status: criteria provided, single submitter. Criteria: Invitae Variant Classification Sherloc (09022015). Collection method: clinical testing. Allele origin: germline.
Comment: This sequence change affects codon 67 of the GNB4 mRNA. It is a 'silent' change, meaning that it does not change the encoded amino acid sequence of the GNB4 protein. This variant is not present in population databases (gnomAD no frequency). This variant has not been reported in the literature in individuals affected with GNB4-related conditions. Algorithms developed to predict the effect of sequence changes on RNA splicing suggest that this variant may disrupt the consensus splice site. In summary, the available evidence is currently insufficient to determine the role of this variant in disease. Therefore, it has been classified as a Variant of Uncertain Significance.

NM_021629.4(GNB4):c.201C>T (p.Ser67=)

Gene: GNB4 (G protein subunit beta 4; minus strand). Cytogenetic location: 3q26.33.
Variant type: single nucleotide variant.
Coding change: c.201C>T on transcript NM_021629.4 (MANE Select); coding-DNA position 201, C replaced by T.
Protein change: p.Ser67=; no amino-acid change (serine 67 retained).
Molecular consequence: synonymous variant.
Genome position (GRCh38, 1-based): chr3:179,419,401, G>A on the plus strand (C>T on the coding strand, the complement: GNB4 is on the minus strand). VCF-style: chr3-179419401-G-A. GRCh37 (hg19) VCF-style: chr3-179137189-G-A.
Identifiers: ClinVar variation 1923540 (VCV001923540.5), dbSNP rs2473915523, ClinGen allele CA437177977.